The following is an entry in ClinVar:

ClinVar aggregate classification (germline): Uncertain significance (1 of 4 stars; one submission).

Conditions:
Gastrointestinal stromal tumor. Also called: Gastrointestinal stromal tumor, somatic; Gastrointestinal stroma tumor. Identifiers: Orphanet 44890, MedGen C0238198, MeSH D046152, MONDO:0011719, OMIM 606764, HP:0100723.
Pheochromocytoma/paraganglioma syndrome 3. Also called: GLOMUS TUMORS, FAMILIAL, 3; Paragangliomas 3; SDHC-Related Hereditary Paraganglioma-Pheochromocytoma Syndrome (Paragangliomas 3); SDHC-Related Hereditary Paraganglioma-Pheochromocytoma Syndrome. Identifiers: Orphanet 29072, MedGen C1854336, MONDO:0011544, OMIM 605373.

Submission:

Labcorp Genetics (formerly Invitae), Labcorp
Classification: Uncertain significance for Pheochromocytoma/paraganglioma syndrome 3; Gastrointestinal stromal tumor. Last evaluated: 2022-12-26. Review status: criteria provided, single submitter. Criteria: Invitae Variant Classification Sherloc (09022015). Collection method: clinical testing. Allele origin: germline.
Comment: This sequence change replaces glutamine, which is neutral and polar, with histidine, which is basic and polar, at codon 147 of the SDHC protein (p.Gln147His). This variant is not present in population databases (gnomAD no frequency). This variant has not been reported in the literature in individuals affected with SDHC-related conditions. Algorithms developed to predict the effect of missense changes on protein structure and function are either unavailable or do not agree on the potential impact of this missense change (SIFT: "Deleterious"; PolyPhen-2: "Benign"; Align-GVGD: "Class C0"). In summary, the available evidence is currently insufficient to determine the role of this variant in disease. Therefore, it has been classified as a Variant of Uncertain Significance.

NM_003001.5(SDHC):c.441G>T (p.Gln147His)

Gene: SDHC (succinate dehydrogenase complex subunit C; plus strand). Cytogenetic location: 1q23.3.
Variant type: single nucleotide variant.
Coding change: c.441G>T on transcript NM_003001.5 (MANE Select); coding-DNA position 441, G replaced by T.
Protein change: p.Gln147His; replaces glutamine 147 with histidine.
Molecular consequence: missense variant. On other transcripts: non-coding transcript variant (1).
Genome position (GRCh38, 1-based): chr1:161,362,364, G>T. VCF-style: chr1-161362364-G-T. GRCh37 (hg19) VCF-style: chr1-161332154-G-T.
Other names: c.277G>T, p.Ala93Ser (NM_001035511.3); c.339G>T, p.Gln113His (NM_001035512.3); c.282G>T, p.Gln94His (NM_001035513.3); c.175G>T, p.Ala59Ser (NM_001278172.3); c.561G>T, p.Gln187His (NM_001407115.1); c.384G>T, p.Gln128His (NM_001407116.1); c.378G>T, p.Gln126His (NM_001407117.1); c.333G>T, p.Gln111His (NM_001407118.1); and 2 more; short protein forms Q128H, A59S, A74S, Q111H, Q113H, Q126H, Q187H, Q147H.
Identifiers: ClinVar variation 2942722 (VCV002942722.3), dbSNP rs2102385288, ClinGen allele CA343457708.
Genomic context (GRCh38, chr1:161,362,364, plus strand): 5'-TTTTTTTTTTTTGCTTTGTCCACAGATGTGGGACCTAGGAAAAGGCCTGAAGATTCCCCA[G>T]CTATACCAGTCTGGAGTGGTTGTCCTGGTTCTTACTGTGTTGTCCTCTATGGGGCTGGCA-3'
Protein context (NP_002992.1, residues 137-157): WDLGKGLKIP[Gln147His]LYQSGVVVLV